The following is an entry in ClinVar:

ClinVar aggregate classification (germline): Uncertain significance (1 of 4 stars; one submission).

Conditions:
Neuropathy, hereditary sensory and autonomic, type 2A (HSAN2A). Also called: ACROOSTEOLYSIS, GIACCAI TYPE; ACROOSTEOLYSIS, NEUROGENIC; MORVAN DISEASE; NEUROPATHY, CONGENITAL SENSORY; NEUROPATHY, HEREDITARY SENSORY RADICULAR, AUTOSOMAL RECESSIVE; NEUROPATHY, HEREDITARY SENSORY, TYPE IIA. Identifiers: Orphanet 970, MedGen C2752089, MONDO:0024309, OMIM 201300.
Pseudohypoaldosteronism type 2C (PHA2C). Also called: Pseudohypoaldosteronism Type IIC. Identifiers: Orphanet 757, Orphanet 88940, MedGen C1840391, MONDO:0013778, OMIM 614492.

Allele frequency attached by ClinVar (database versions not stated): TOPMed below 0.00001; gnomAD 0.00002; gnomAD exomes 0.00002; ExAC 0.00003.
gnomAD v4.1: 30 of 1,614,008 alleles (0.0019%); highest among the groups gnomAD compares: South Asian, 0.031%; no homozygotes.

Submission:

Labcorp Genetics (formerly Invitae), Labcorp
Classification: Uncertain significance for Neuropathy, hereditary sensory and autonomic, type 2A; Pseudohypoaldosteronism type 2C. Last evaluated: 2022-10-12. Review status: criteria provided, single submitter. Criteria: Invitae Variant Classification Sherloc (09022015). Collection method: clinical testing. Allele origin: germline.
Comment: This sequence change replaces serine, which is neutral and polar, with phenylalanine, which is neutral and non-polar, at codon 2115 of the WNK1 protein (p.Ser2115Phe). This variant is present in population databases (rs762180270, gnomAD 0.02%). This variant has not been reported in the literature in individuals affected with WNK1-related conditions. Algorithms developed to predict the effect of missense changes on protein structure and function are either unavailable or do not agree on the potential impact of this missense change (SIFT: "Deleterious"; PolyPhen-2: "Not Available"; Align-GVGD: "Class C65"). In summary, the available evidence is currently insufficient to determine the role of this variant in disease. Therefore, it has been classified as a Variant of Uncertain Significance.

NM_018979.4(WNK1):c.5588C>T (p.Ser1863Phe)

Gene: WNK1 (WNK lysine deficient protein kinase 1; plus strand). Cytogenetic location: 12p13.33.
Variant type: single nucleotide variant.
Coding change: c.5588C>T on transcript NM_018979.4 (MANE Select); coding-DNA position 5588, C replaced by T.
Protein change: p.Ser1863Phe; replaces serine 1863 with phenylalanine.
Molecular consequence: missense variant.
Genome position (GRCh38, 1-based): chr12:896,075, C>T. VCF-style: chr12-896075-C-T. GRCh37 (hg19) VCF-style: chr12-1005241-C-T.
Other names: c.6368C>T, p.Ser2123Phe (NM_001184985.2); c.4844C>T, p.Ser1615Phe (NM_014823.3); c.6344C>T, p.Ser2115Phe (NM_213655.5); short protein forms S1615F, S2115F, S2123F, S1863F.
Identifiers: ClinVar variation 2163628 (VCV002163628.4), dbSNP rs762180270, ClinGen allele CA6383253.